The following is an entry in ClinVar:

NM_031220.4(PITPNM3):c.1309G>A (p.Ala437Thr)

Gene: PITPNM3 (PITPNM family member 3; minus strand). Cytogenetic location: 17p13.2.
Variant type: single nucleotide variant.
Coding change: c.1309G>A on transcript NM_031220.4 (MANE Select); coding-DNA position 1309, G replaced by A.
Protein change: p.Ala437Thr; replaces alanine 437 with threonine.
Molecular consequence: missense variant.
Genome position (GRCh38, 1-based): chr17:6,472,777, C>T on the plus strand (G>A on the coding strand, the complement: PITPNM3 is on the minus strand). VCF-style: chr17-6472777-C-T. GRCh37 (hg19) VCF-style: chr17-6376097-C-T.
Other names: c.1201G>A, p.Ala401Thr (NM_001165966.2); short protein forms A401T, A437T.
Identifiers: ClinVar variation 1024579 (VCV001024579.9), dbSNP rs776334168, ClinGen allele CA8329538.

ClinVar aggregate classification (germline): Uncertain significance. Review status: criteria provided, multiple submitters, no conflicts (2 of 4 stars). 2 submissions from 2 submitters: Uncertain significance (2). Last evaluated 2024-03-22.

Allele frequency attached by ClinVar (database versions not stated): gnomAD exomes 0.00001; TOPMed 0.00001; ExAC 0.00002.
gnomAD v4.1: 12 of 1,614,100 alleles (0.00074%); highest among the groups gnomAD compares: South Asian, 0.0055%; no homozygotes.

Submissions (2):

Blueprint Genetics
Classification: Uncertain significance. Last evaluated: 2024-03-22. Review status: criteria provided, single submitter. Criteria: ACMG Guidelines, 2015. Collection method: clinical testing. Allele origin: germline.

Labcorp Genetics (formerly Invitae), Labcorp
Classification: Uncertain significance. Last evaluated: 2024-02-23. Review status: criteria provided, single submitter. Criteria: Invitae Variant Classification Sherloc (09022015). Collection method: clinical testing. Allele origin: germline.
Comment: This sequence change replaces alanine, which is neutral and non-polar, with threonine, which is neutral and polar, at codon 437 of the PITPNM3 protein (p.Ala437Thr). This variant is present in population databases (rs776334168, gnomAD 0.01%). This variant has not been reported in the literature in individuals affected with PITPNM3-related conditions. ClinVar contains an entry for this variant (Variation ID: 1024579). Advanced modeling of protein sequence and biophysical properties (such as structural, functional, and spatial information, amino acid conservation, physicochemical variation, residue mobility, and thermodynamic stability) performed at Invitae indicates that this missense variant is not expected to disrupt PITPNM3 protein function with a negative predictive value of 80%. In summary, the available evidence is currently insufficient to determine the role of this variant in disease. Therefore, it has been classified as a Variant of Uncertain Significance.